The following is an entry in ClinVar:

ClinVar aggregate classification (germline): Pathogenic (1 of 4 stars; one submission).

Conditions:
Glycogen storage disease, type II (IOPD). Also called: CARDIOMEGALIA GLYCOGENICA DIFFUSA; GLYCOGENOSIS, GENERALIZED, CARDIAC FORM; GSD II; Glycogen storage disease type 2; Acid maltase deficiency disease; Aglucosidase alfa. Identifiers: Orphanet 365, MedGen C0017921, MONDO:0009290, OMIM 232300.

Submission:

Foundation for Research in Genetics and Endocrinology, FRIGE's Institute of Human Genetics
Classification: Pathogenic for Glycogen storage disease, type II. Last evaluated: 2024-05-09. Review status: criteria provided, single submitter. Criteria: ACMG Guidelines, 2015. Collection method: clinical testing. Allele origin: germline. Inheritance: Autosomal recessive inheritance. Affected: yes. Observed: 1 homozygote.
Comment: A homozygous variant in exon 12 of the GAA gene that results in the amino acid substitution of Arginine for Histidine at codon 568 was detected. The observed variant c.1703A>G (p.His568Arg) has not been reported in the 1000 genomes and gnomAD databases. The in silico prediction of the variant is possibly damaging by DANN and MutationTaster2. In summary, the variant meets our criteria to be classified as pathogenic.

NM_000152.5(GAA):c.1703A>G (p.His568Arg)

Gene: GAA (alpha glucosidase; plus strand). Cytogenetic location: 17q25.3.
Variant type: single nucleotide variant.
Coding change: c.1703A>G on transcript NM_000152.5 (MANE Select); coding-DNA position 1703, A replaced by G.
Protein change: p.His568Arg; replaces histidine 568 with arginine.
Molecular consequence: missense variant.
Genome position (GRCh38, 1-based): chr17:80,112,049, A>G. VCF-style: chr17-80112049-A-G. GRCh37 (hg19) VCF-style: chr17-78085848-A-G.
Other names: p.His568Arg; c.1703A>G, p.His568Arg (NM_001079803.3, NM_001079804.3, NM_001406741.1 and 1 more transcripts); short protein forms H568R.
Identifiers: ClinVar variation 3235261 (VCV003235261.2), dbSNP rs2143882997, ClinGen allele CA401369026.